The following is an entry in ClinVar:

NM_000479.5(AMH):c.251T>A (p.Leu84Gln)

Gene: AMH (anti-Mullerian hormone; plus strand). Cytogenetic location: 19p13.3.
Variant type: single nucleotide variant.
Coding change: c.251T>A on transcript NM_000479.5 (MANE Select); coding-DNA position 251, T replaced by A.
Protein change: p.Leu84Gln; replaces leucine 84 with glutamine.
Molecular consequence: missense variant.
Genome position (GRCh38, 1-based): chr19:2,249,583, T>A. VCF-style: chr19-2249583-T-A. GRCh37 (hg19) VCF-style: chr19-2249582-T-A.
Other names: short protein forms L84Q.
Identifiers: ClinVar variation 1379979 (VCV001379979.6), dbSNP rs751285750, ClinGen allele CA403238671.

ClinVar aggregate classification (germline): Uncertain significance (1 of 4 stars; one submission).

Submission:

Labcorp Genetics (formerly Invitae), Labcorp
Classification: Uncertain significance. Last evaluated: 2025-06-24. Review status: criteria provided, single submitter. Criteria: Invitae Variant Classification Sherloc (09022015). Collection method: clinical testing. Allele origin: germline.
Comment: This sequence change replaces leucine, which is neutral and non-polar, with glutamine, which is neutral and polar, at codon 84 of the AMH protein (p.Leu84Gln). This variant is not present in population databases (gnomAD no frequency). This variant has not been reported in the literature in individuals affected with AMH-related conditions. ClinVar contains an entry for this variant (Variation ID: 1379979). An algorithm developed to predict the effect of missense changes on protein structure and function (PolyPhen-2) suggests that this variant is likely to be disruptive. In summary, the available evidence is currently insufficient to determine the role of this variant in disease. Therefore, it has been classified as a Variant of Uncertain Significance.